The following is an entry in ClinVar:

ClinVar aggregate classification (germline): Likely pathogenic (1 of 4 stars; one submission).

Conditions:
Focal segmental glomerulosclerosis 7 (FSGS7). Identifiers: Orphanet 656, MedGen C4014925, MONDO:0014451, OMIM 616002.
Renal coloboma syndrome (PAPRS). Also called: COLOBOMA OF OPTIC NERVE WITH RENAL DISEASE; CAKUT WITH OR WITHOUT OCULAR ABNORMALITIES; OPTIC COLOBOMA, VESICOURETERAL REFLUX, AND RENAL ANOMALIES; OPTIC NERVE COLOBOMA WITH RENAL DISEASE; RENAL-COLOBOMA SYNDROME WITH MACULAR ABNORMALITIES; CONGENITAL ANOMALIES OF THE KIDNEY AND URINARY TRACT WITH OR WITHOUT OCULAR ABNORMALITIES. Identifiers: Orphanet 1475, MedGen C1852759, MONDO:0007352, OMIM 120330.

Submission:

Labcorp Genetics (formerly Invitae), Labcorp
Classification: Likely pathogenic for Renal coloboma syndrome; Focal segmental glomerulosclerosis 7. Last evaluated: 2021-07-02. Review status: criteria provided, single submitter. Criteria: Invitae Variant Classification Sherloc (09022015). Collection method: clinical testing. Allele origin: germline.
Comment: In summary, the currently available evidence indicates that the variant is pathogenic, but additional data are needed to prove that conclusively. Therefore, this variant has been classified as Likely Pathogenic. A similar copy number variant has been observed in individual(s) with clinical features of papillorenal syndrome (Invitae). This variant results in a copy number gain of the genomic region encompassing exon(s) 4-7 of the PAX2 gene. While the exact position of this variant cannot be determined from the data, sub-genic copy number gains are generally in tandem (PMID: 25640679). This variant is predicted to be out-of-frame, and may result in an absent or disrupted protein product. Loss-of-function variants in PAX2 are known to be pathogenic (PMID: 11461952, 24676634).

Literature cited by the submitters: PubMed 25640679; PubMed 11461952; PubMed 24676634.

NC_000010.10:g.(?_102539235)_(102569013_?)dup

Gene: PAX2 (paired box 2; plus strand). Cytogenetic location: 10q24.31.
Variant type: Duplication.
Identifiers: ClinVar variation 1509780 (VCV001509780.4).